The following is an entry in ClinVar:

ClinVar aggregate classification (germline): Pathogenic (1 of 4 stars; one submission).

Conditions:
Duchenne muscular dystrophy (DMD). Also called: Duchenne Muscular Dystrophy (DMD); MUSCULAR DYSTROPHY, PSEUDOHYPERTROPHIC PROGRESSIVE, DUCHENNE TYPE. Identifiers: Orphanet 98896, MedGen C0013264, MONDO:0010679, OMIM 310200.

Submission:

Labcorp Genetics (formerly Invitae), Labcorp
Classification: Pathogenic for Duchenne muscular dystrophy. Last evaluated: 2019-09-09. Review status: criteria provided, single submitter. Criteria: Invitae Variant Classification Sherloc (09022015). Collection method: clinical testing. Allele origin: germline.
Comment: For these reasons, this variant has been classified as Pathogenic. Loss-of-function variants in DMD are known to be pathogenic (PMID: 16770791, 25007885). This variant has been observed in an individual affected with Duchenne muscular dystrophy (PMID: 19937601). This variant is not present in population databases (ExAC no frequency). This sequence change creates a premature translational stop signal (p.Leu62Thrfs*27) in the DMD gene. It is expected to result in an absent or disrupted protein product.

Literature cited by the submitters: PubMed 16770791; PubMed 25007885; PubMed 19937601.

NM_004006.3(DMD):c.183dup (p.Leu62fs)

Gene: DMD (dystrophin; minus strand). Cytogenetic location: Xp21.1.
Variant type: Duplication.
Coding change: c.183dup on transcript NM_004006.3 (MANE Select); coding-DNA position 183, one base duplicated (A; older notation c.183dupA).
Protein change: p.Leu62fs; shifts the reading frame from leucine 62.
Molecular consequence: frameshift variant. On other transcripts: 5 prime UTR variant (1).
Genome position (GRCh38, 1-based): chrX:32,849,731, T duplicated on the plus strand (A on the coding strand, the reverse complement: DMD is on the minus strand); the first of 5 consecutive T bases (chrX:32,849,731-32,849,735); duplicating any one gives the same sequence. VCF-style (leftmost placement, unchanged base first): chrX-32849730-G-GT. GRCh37 (hg19) VCF-style: chrX-32867847-G-GT.
Other names: c.159dup, p.Leu54fs (NM_000109.4); c.171dup, p.Leu58fs (NM_004009.3); c.-187dup (NM_004010.3); short protein forms L54fs, L58fs, L62fs.
Identifiers: ClinVar variation 940246 (VCV000940246.10), dbSNP rs2080978755, ClinGen allele CA1139667425.